The following is an entry in ClinVar:

ClinVar aggregate classification (germline): Uncertain significance. Review status: criteria provided, multiple submitters, no conflicts (2 of 4 stars). 2 submissions from 2 submitters: Uncertain significance (2). Last evaluated 2022-11-15.

Conditions:
Retinitis pigmentosa 73 (RP73). Identifiers: Orphanet 791, MedGen C4225287, MONDO:0014687, OMIM 616544.
Mucopolysaccharidosis, MPS-III-C (MPS3C). Also called: MPS IIIC (Sanfilippo Syndrome Type C); MUCOPOLYSACCHARIDOSIS, TYPE IIIC; Mucopolysaccharidosis type IIIC (Sanfilippo C); SANFILIPPO SYNDROME C; MPS III C; mucopolysaccharidosis type 3C. Identifiers: Orphanet 581, Orphanet 79271, MedGen C0086649, MONDO:0009657, OMIM 252930.

Allele frequency attached by ClinVar (database versions not stated): gnomAD exomes 0.00005 and 0.00003; gnomAD 0.00001 and 0.00002; ExAC 0.00005; TOPMed 0.00002.
gnomAD v4.1: 71 of 1,582,832 alleles (0.0045%); highest among the groups gnomAD compares: Non-Finnish European, 0.0058%; no homozygotes.

Submissions (2):

Blueprint Genetics
Classification: Uncertain significance. Last evaluated: 2022-11-15. Review status: criteria provided, single submitter. Criteria: ACMG Guidelines, 2015. Collection method: clinical testing. Allele origin: germline.

Labcorp Genetics (formerly Invitae), Labcorp
Classification: Uncertain significance for Retinitis pigmentosa 73; Mucopolysaccharidosis, MPS-III-C. Last evaluated: 2022-06-18. Review status: criteria provided, single submitter. Criteria: Invitae Variant Classification Sherloc (09022015). Collection method: clinical testing. Allele origin: germline.
Comment: This sequence change replaces lysine, which is basic and polar, with asparagine, which is neutral and polar, at codon 198 of the HGSNAT protein (p.Lys198Asn). This variant is present in population databases (rs763403091, gnomAD 0.007%). This variant has not been reported in the literature in individuals affected with HGSNAT-related conditions. Advanced modeling of protein sequence and biophysical properties (such as structural, functional, and spatial information, amino acid conservation, physicochemical variation, residue mobility, and thermodynamic stability) performed at Invitae indicates that this missense variant is not expected to disrupt HGSNAT protein function. In summary, the available evidence is currently insufficient to determine the role of this variant in disease. Therefore, it has been classified as a Variant of Uncertain Significance.

NM_152419.3(HGSNAT):c.594A>T (p.Lys198Asn)

Gene: HGSNAT (heparan-alpha-glucosaminide N-acetyltransferase; plus strand). Cytogenetic location: 8p11.21.
Variant type: single nucleotide variant.
Coding change: c.594A>T on transcript NM_152419.3 (MANE Select); coding-DNA position 594, A replaced by T.
Protein change: p.Lys198Asn; replaces lysine 198 with asparagine.
Molecular consequence: missense variant. On other transcripts: 5 prime UTR variant (1).
Genome position (GRCh38, 1-based): chr8:43,169,203, A>T. VCF-style: chr8-43169203-A-T. GRCh37 (hg19) VCF-style: chr8-43024346-A-T.
Other names: c.594A>T, p.Lys198Asn (NM_001363227.2, NM_001363228.2); c.-240A>T (NM_001363229.2); short protein forms K198N.
Identifiers: ClinVar variation 1357570 (VCV001357570.4), dbSNP rs763403091, ClinGen allele CA4736562.